The following is an entry in ClinVar:

NM_001112726.3(CEP170B):c.3531C>T (p.Ala1177=)

Gene: CEP170B (centrosomal protein 170B; plus strand). Cytogenetic location: 14q32.33.
Variant type: single nucleotide variant.
Coding change: c.3531C>T on transcript NM_001112726.3 (MANE Select); coding-DNA position 3531, C replaced by T.
Protein change: p.Ala1177=; no amino-acid change (alanine 1177 retained).
Molecular consequence: synonymous variant.
Genome position (GRCh38, 1-based): chr14:104,887,770, C>T. VCF-style: chr14-104887770-C-T. GRCh37 (hg19) VCF-style: chr14-105354107-C-T.
Other names: c.3321C>T, p.Ala1107= (NM_015005.3).
Identifiers: ClinVar variation 3037698 (VCV003037698.2), dbSNP rs781498532, ClinGen allele CA7376158.

ClinVar aggregate classification (germline): Likely benign (0 of 4 stars; one submission).

Conditions:
CEP170B-related disorder. Also called: CEP170B-related condition.

Allele frequency attached by ClinVar (database versions not stated): gnomAD 0.00001; gnomAD exomes 0.00002; ExAC 0.00003.
gnomAD v4.1: 36 of 1,579,756 alleles (0.0023%); highest among the groups gnomAD compares: Admixed American, 0.0035%; no homozygotes.

Submission:

PreventionGenetics, part of Exact Sciences
Classification: Likely benign for CEP170B-related condition. Last evaluated: 2019-05-06. Review status: no assertion criteria provided. Collection method: clinical testing. Allele origin: germline.
Comment: This variant is classified as likely benign based on ACMG/AMP sequence variant interpretation guidelines (Richards et al. 2015 PMID: 25741868, with internal and published modifications).